The following is an entry in ClinVar:

ClinVar aggregate classification (germline): Likely benign. Review status: criteria provided, single submitter (1 of 4 stars). 2 submissions from 2 submitters: Likely benign (1). 1 of the submissions does not count toward it. Last evaluated 2019-12-31.

Conditions:
NRP1-related disorder. Also called: NRP1-related condition.

Allele frequency attached by ClinVar (database versions not stated): 1000 Genomes Project 30x 0.00062; TOPMed 0.00063; 1000 Genomes Project 0.00080; gnomAD 0.00107 and 0.00111; ExAC 0.00113; gnomAD exomes 0.00130 and 0.00137; ESP Exome Variant Server 0.00161.
gnomAD v4.1: 2,097 of 1,575,732 alleles (0.13%); highest among the groups gnomAD compares: Non-Finnish European, 0.14%; 2 homozygotes.

Submissions (2):

Labcorp Genetics (formerly Invitae), Labcorp
Classification: Likely benign. Last evaluated: 2019-12-31. Review status: criteria provided, single submitter. Criteria: Invitae Variant Classification Sherloc (09022015). Collection method: clinical testing. Allele origin: germline.

PreventionGenetics, part of Exact Sciences
Classification: Likely benign for NRP1-related condition. Last evaluated: 2021-05-19. Review status: no assertion criteria provided. Collection method: clinical testing. Allele origin: germline. Not counted in ClinVar's aggregate classification.
Comment: This variant is classified as likely benign based on ACMG/AMP sequence variant interpretation guidelines (Richards et al. 2015 PMID: 25741868, with internal and published modifications).

NM_003873.7(NRP1):c.2483-3T>C

Gene: NRP1 (neuropilin 1; minus strand). Cytogenetic location: 10p11.22.
Variant type: single nucleotide variant.
Coding change: c.2483-3T>C on transcript NM_003873.7 (MANE Select); 3 bases into the intron before coding-DNA position 2483, T replaced by C.
Molecular consequence: intron variant.
Genome position (GRCh38, 1-based): chr10:33,180,368, A>G on the plus strand (T>C on the coding strand, the complement: NRP1 is on the minus strand). VCF-style: chr10-33180368-A-G. GRCh37 (hg19) VCF-style: chr10-33469296-A-G.
Other names: c.2462-3T>C (NM_001244973.2); c.2465-3T>C (NM_001244972.2); c.2432-3T>C (NM_001330068.2).
Identifiers: ClinVar variation 770962 (VCV000770962.6), dbSNP rs199689769, ClinGen allele CA5466152.